The following is an entry in ClinVar:

ClinVar aggregate classification (germline): Benign/Likely benign. Review status: criteria provided, multiple submitters, no conflicts (2 of 4 stars). 2 submissions from 2 submitters: Benign (1); Likely benign (1). Last evaluated 2025-03-07.

Conditions:
Pheochromocytoma/paraganglioma syndrome 5. Also called: Paragangliomas 5; SDHA-Related Hereditary Paraganglioma-Pheochromocytoma Syndrome. Identifiers: Orphanet 29072, MedGen C3279992, MONDO:0013602, OMIM 614165.
Mitochondrial complex II deficiency, nuclear type 1. Also called: SUCCINATE CoQ REDUCTASE DEFICIENCY. Identifiers: Orphanet 3208, MedGen C5700310, MONDO:0100294, OMIM 252011.

Submissions (2):

Myriad Genetics, Inc.
Classification: Benign for Pheochromocytoma/paraganglioma syndrome 5. Last evaluated: 2025-03-07. Review status: criteria provided, single submitter. Criteria: Myriad Autosomal Dominant, Autosomal Recessive and X-Linked Classification Criteria (2023). Collection method: clinical testing. Allele origin: unknown.
Comment: This variant is considered benign. This variant is a silent/synonymous amino acid change and it is not expected to impact splicing.

Labcorp Genetics (formerly Invitae), Labcorp
Classification: Likely benign for Pheochromocytoma/paraganglioma syndrome 5; Mitochondrial complex II deficiency, nuclear type 1. Last evaluated: 2022-05-18. Review status: criteria provided, single submitter. Criteria: Invitae Variant Classification Sherloc (09022015). Collection method: clinical testing. Allele origin: germline.

NM_004168.4(SDHA):c.1138C>T (p.Leu380=)

Gene: SDHA (succinate dehydrogenase complex flavoprotein subunit A; plus strand). Cytogenetic location: 5p15.33.
Variant type: single nucleotide variant.
Coding change: c.1138C>T on transcript NM_004168.4 (MANE Select); coding-DNA position 1138, C replaced by T.
Protein change: p.Leu380=; no amino-acid change (leucine 380 retained).
Molecular consequence: synonymous variant.
Genome position (GRCh38, 1-based): chr5:235,217, C>T. VCF-style: chr5-235217-C-T. GRCh37 (hg19) VCF-style: chr5-235332-C-T.
Other names: c.994C>T, p.Leu332= (NM_001294332.2); c.1138C>T, p.Leu380= (NM_001330758.2).
Identifiers: ClinVar variation 1996018 (VCV001996018.5), dbSNP rs1735694280, ClinGen allele CA442691970.